The following is an entry in ClinVar:

ClinVar aggregate classification (germline): Uncertain significance (1 of 4 stars; one submission).

gnomAD v4.1: 1 of 1,578,388 alleles (0.000063%); no homozygotes.

Submission:

Labcorp Genetics (formerly Invitae), Labcorp
Classification: Uncertain significance. Last evaluated: 2021-04-25. Review status: criteria provided, single submitter. Criteria: Invitae Variant Classification Sherloc (09022015). Collection method: clinical testing. Allele origin: germline.
Comment: This variant is not present in population databases (ExAC no frequency). Algorithms developed to predict the effect of missense changes on protein structure and function are either unavailable or do not agree on the potential impact of this missense change (SIFT: "Tolerated"; PolyPhen-2: "Not Available"; Align-GVGD: "Class C0"). This variant has not been reported in the literature in individuals with PCLO-related conditions. This sequence change replaces valine with isoleucine at codon 4720 of the PCLO protein (p.Val4720Ile). The valine residue is moderately conserved and there is a small physicochemical difference between valine and isoleucine. In summary, the available evidence is currently insufficient to determine the role of this variant in disease. Therefore, it has been classified as a Variant of Uncertain Significance.

NM_033026.6(PCLO):c.14158G>A (p.Val4720Ile)

Gene: PCLO (piccolo presynaptic cytomatrix protein; minus strand). Cytogenetic location: 7q21.11.
Variant type: single nucleotide variant.
Coding change: c.14158G>A on transcript NM_033026.6 (MANE Select); coding-DNA position 14158, G replaced by A.
Protein change: p.Val4720Ile; replaces valine 4720 with isoleucine.
Molecular consequence: missense variant.
Genome position (GRCh38, 1-based): chr7:82,838,282, C>T on the plus strand (G>A on the coding strand, the complement: PCLO is on the minus strand). VCF-style: chr7-82838282-C-T. GRCh37 (hg19) VCF-style: chr7-82467598-C-T.
Other names: c.14158G>A, p.Val4720Ile (NM_014510.3); short protein forms V4720I.
Identifiers: ClinVar variation 1486089 (VCV001486089.8), dbSNP rs2115759354, ClinGen allele CA367878382.
Genomic context (GRCh38, chr7:82,838,282, plus strand): 5'-TCCCTGGAAGAAGGTACACTTTCACAAAAGGGTCAGAATAACCATTGTTGTCTCGAGGAA[C>T]AAGATTTCTTGCTTGGAGAATATGTATTATGAGATTTCCAAGATCATAGTTAATTTGAAG-3'
Protein context (NP_149015.2, residues 4710-4730): IIHILQARNL[Val4720Ile]PRDNNGYSDP